The following is an entry in ClinVar:

NM_005076.5(CNTN2):c.2474C>T (p.Ser825Leu)

Gene: CNTN2 (contactin 2; plus strand). Cytogenetic location: 1q32.1.
Variant type: single nucleotide variant.
Coding change: c.2474C>T on transcript NM_005076.5 (MANE Select); coding-DNA position 2474, C replaced by T.
Protein change: p.Ser825Leu; replaces serine 825 with leucine.
Molecular consequence: missense variant. On other transcripts: non-coding transcript variant (1).
Genome position (GRCh38, 1-based): chr1:205,070,468, C>T. VCF-style: chr1-205070468-C-T. GRCh37 (hg19) VCF-style: chr1-205039596-C-T.
Other names: c.2474C>T, p.Ser825Leu (NM_001346083.2); short protein forms S825L.
Identifiers: ClinVar variation 1383776 (VCV001383776.7), dbSNP rs965462537, ClinGen allele CA36375271.

ClinVar aggregate classification (germline): Uncertain significance (1 of 4 stars; one submission).

Conditions:
Epilepsy, familial adult myoclonic, 5 (EPEO5). Also called: CORTICAL MYOCLONIC TREMOR WITH EPILEPSY, FAMILIAL, 5. Identifiers: Orphanet 86814, MedGen C3809374, MONDO:0014167, OMIM 615400.

Allele frequency attached by ClinVar (database versions not stated): gnomAD exomes 0.00001; gnomAD 0.00002; TOPMed 0.00002.
gnomAD v4.1: 6 of 1,613,906 alleles (0.00037%); highest among the groups gnomAD compares: Middle Eastern, 0.016%; no homozygotes.

Submission:

Labcorp Genetics (formerly Invitae), Labcorp
Classification: Uncertain significance for Epilepsy, familial adult myoclonic, 5. Last evaluated: 2022-09-01. Review status: criteria provided, single submitter. Criteria: Invitae Variant Classification Sherloc (09022015). Collection method: clinical testing. Allele origin: germline.
Comment: In summary, the available evidence is currently insufficient to determine the role of this variant in disease. Therefore, it has been classified as a Variant of Uncertain Significance. Algorithms developed to predict the effect of sequence changes on RNA splicing suggest that this variant may create or strengthen a splice site. Advanced modeling of protein sequence and biophysical properties (such as structural, functional, and spatial information, amino acid conservation, physicochemical variation, residue mobility, and thermodynamic stability) performed at Invitae indicates that this missense variant is not expected to disrupt CNTN2 protein function. ClinVar contains an entry for this variant (Variation ID: 1383776). This variant has not been reported in the literature in individuals affected with CNTN2-related conditions. This variant is not present in population databases (gnomAD no frequency). This sequence change replaces serine, which is neutral and polar, with leucine, which is neutral and non-polar, at codon 825 of the CNTN2 protein (p.Ser825Leu).